The following is an entry in ClinVar:

NC_000020.10:g.(?_61458573)_(61461960_?)del

Gene: COL9A3 (collagen type IX alpha 3 chain; plus strand). Cytogenetic location: 20q13.33.
Variant type: Deletion.
Identifiers: ClinVar variation 2424267 (VCV002424267.4).

ClinVar aggregate classification (germline): Uncertain significance (1 of 4 stars; one submission).

Submission:

Labcorp Genetics (formerly Invitae), Labcorp
Classification: Uncertain significance. Last evaluated: 2023-12-21. Review status: criteria provided, single submitter. Criteria: Invitae Variant Classification Sherloc (09022015). Collection method: clinical testing. Allele origin: germline.
Comment: This variant is a gross deletion of the genomic region encompassing exon(s) 16-24 of the COL9A3 gene. This variant would be expected to be in-frame, preserving the integrity of the reading frame. This variant has not been reported in the literature in individuals affected with COL9A3-related conditions. Experimental studies and prediction algorithms are not available or were not evaluated, and the functional significance of this variant is currently unknown. In summary, the available evidence is currently insufficient to determine the role of this variant in disease. Therefore, it has been classified as a Variant of Uncertain Significance.